The following is an entry in ClinVar:

ClinVar aggregate classification (germline): Pathogenic (0 of 4 stars; one submission).

Conditions:
Familial cardiomyopathy. Identifiers: MedGen C0264789, MONDO:0005217.

Submission:

Evolutionary and Medical Genetics Laboratory,  Centre for Cellular and Molecular Biology
Classification: Pathogenic. Review status: no assertion criteria provided. Collection method: not provided. Allele origin: unknown.
Comment: Missense mutation/Non-synonymous
ClinVar note: Converted during submission from pathogenic to Pathogenic.

NM_000257.4(MYH7):c.1530C>A (p.Phe510Leu)

Gene: MYH7 (myosin heavy chain 7; minus strand). Cytogenetic location: 14q11.2.
Variant type: single nucleotide variant.
Coding change: c.1530C>A on transcript NM_000257.4 (MANE Select); coding-DNA position 1530, C replaced by A.
Protein change: p.Phe510Leu; replaces phenylalanine 510 with leucine.
Molecular consequence: missense variant.
Genome position (GRCh38, 1-based): chr14:23,428,548, G>T on the plus strand (C>A on the coding strand, the complement: MYH7 is on the minus strand). VCF-style: chr14-23428548-G-T. GRCh37 (hg19) VCF-style: chr14-23897757-G-T.
Other names: short protein forms F510L.
Identifiers: ClinVar variation 132926 (VCV000132926.2), dbSNP rs606231323, ClinGen allele CA010890.